The following is an entry in ClinVar:

ClinVar aggregate classification (germline): Uncertain significance (1 of 4 stars; one submission).

Submission:

Ambry Genetics
Classification: Uncertain significance. Last evaluated: 2021-12-11. Review status: criteria provided, single submitter. Criteria: Ambry Variant Classification Scheme 2023. Collection method: clinical testing. Allele origin: germline.
Comment: The p.V53G variant (also known as c.158T>G), located in coding exon 1 of the TERF2IP gene, results from a T to G substitution at nucleotide position 158. The valine at codon 53 is replaced by glycine, an amino acid with dissimilar properties. This amino acid position is conserved. In addition, this alteration is predicted to be tolerated by in silico analysis. Since supporting evidence is limited at this time, the clinical significance of this alteration remains unclear.

NM_018975.4(TERF2IP):c.158T>G (p.Val53Gly)

Gene: TERF2IP (TERF2 interacting protein; plus strand). Cytogenetic location: 16q23.1.
Variant type: single nucleotide variant.
Coding change: c.158T>G on transcript NM_018975.4 (MANE Select); coding-DNA position 158, T replaced by G.
Protein change: p.Val53Gly; replaces valine 53 with glycine.
Molecular consequence: missense variant. On other transcripts: non-coding transcript variant (1).
Genome position (GRCh38, 1-based): chr16:75,648,040, T>G. VCF-style: chr16-75648040-T-G. GRCh37 (hg19) VCF-style: chr16-75681938-T-G.
Other names: short protein forms V53G.
Identifiers: ClinVar variation 1775897 (VCV001775897.2), dbSNP rs2082314024, ClinGen allele CA396817342.
Genomic context (GRCh38, chr16:75,648,040, plus strand): 5'-TGCGGCCCAGCCCGGCCAAGCGTCGGCTGTCGACGCTCATCCTGCACGGCGGCGGCACCG[T>G]GTGCCGAGTGCAGGAGCCCGGGGCCGTGCTGCTGGCCCAGCCCGGGGAGGCGCTGGCCGA-3'
Protein context (NP_061848.2, residues 43-63): STLILHGGGT[Val53Gly]CRVQEPGAVL